The following is an entry in ClinVar:

NM_181471.3(RFC2):c.780A>C (p.Pro260=)

Gene: RFC2 (replication factor C subunit 2; minus strand). Cytogenetic location: 7q11.23.
Variant type: single nucleotide variant.
Coding change: c.780A>C on transcript NM_181471.3 (MANE Select); coding-DNA position 780, A replaced by C.
Protein change: p.Pro260=; no amino-acid change (proline 260 retained).
Molecular consequence: synonymous variant.
Genome position (GRCh38, 1-based): chr7:74,237,422, T>G on the plus strand (A>C on the coding strand, the complement: RFC2 is on the minus strand). VCF-style: chr7-74237422-T-G. GRCh37 (hg19) VCF-style: chr7-73651752-T-G.
Other names: c.477A>C, p.Pro159= (NM_001278791.2); c.471A>C, p.Pro157= (NM_001278792.2); c.375A>C, p.Pro125= (NM_001278793.2); c.678A>C, p.Pro226= (NM_002914.5).
Identifiers: ClinVar variation 1879690 (VCV001879690.29), dbSNP rs782078961, ClinGen allele CA4294968.
Genomic context (GRCh38, chr7:74,237,422, plus strand): 5'-CTTGTAGGCTTCGTCAATGTTGGCATTCACACAGTGCTGGATCATCTCCTTTACCAGCAG[T>G]GGGTGGGGCTCGTCACAGACCTGGCCAAAGGGAAAGGAAAGGCGGTCAGGGGCTAGAAGG-3'
Protein context (NP_852136.1, residues 250-270): NVFKVCDEPH[Pro260=]LLVKEMIQHC

ClinVar aggregate classification (germline): Likely benign (1 of 4 stars; one submission).

Allele frequency attached by ClinVar (database versions not stated): ExAC 0.00003.
gnomAD v4.1: 13 of 1,596,304 alleles (0.00081%); highest among the groups gnomAD compares: South Asian, 0.015%; 1 homozygote.

Submission:

CeGaT Center for Human Genetics Tuebingen
Classification: Likely benign. Last evaluated: 2022-11-01. Review status: criteria provided, single submitter. Criteria: CeGaT Center For Human Genetics Tuebingen Variant Classification Criteria Version 2. Collection method: clinical testing. Allele origin: germline. Affected: yes. Observed: 1 variant allele.
Comment: RFC2: BP4, BP7